The following is an entry in ClinVar:

ClinVar aggregate classification (germline): Uncertain significance. Review status: criteria provided, single submitter (1 of 4 stars). 2 submissions from 2 submitters: Uncertain significance (1). 1 of the submissions does not count toward it. Last evaluated 2019-06-13.

Conditions:
Basal ganglia calcification, idiopathic, 7, autosomal recessive. Also called: PRIMARY FAMILIAL BRAIN CALCIFICATION 7, AUTOSOMAL RECESSIVE. Identifiers: MedGen C5193025, MONDO:0032673, OMIM 618317.

Submissions (2):

SIB Swiss Institute of Bioinformatics
Classification: Uncertain significance for Basal ganglia calcification, idiopathic, 7, autosomal recessive. Last evaluated: 2019-06-13. Review status: criteria provided, single submitter. Criteria: ACMG Guidelines, 2015. Collection method: curation. Allele origin: unknown.
Comment: This variant is interpreted as a variant of Uncertain significance for Basal ganglia calcification, idiopathic, 7, autosomal recessive. The following ACMG Tag(s) were applied: PM2, PP3, PP1-Moderate.

OMIM
Classification: Pathogenic for PRIMARY FAMILIAL BRAIN CALCIFICATION 7, AUTOSOMAL RECESSIVE. Last evaluated: 2026-11-13. Review status: no assertion criteria provided. Collection method: literature only. Allele origin: germline. Not counted in ClinVar's aggregate classification.

Literature cited by the submitters: PubMed 29910000 (cited by SIB Swiss Institute of Bioinformatics and OMIM).

NM_020702.5(MYORG):c.695C>T (p.Ser232Leu)

Gene: MYORG (myogenesis regulating glycosidase; minus strand). Cytogenetic location: 9p13.3.
Variant type: single nucleotide variant.
Coding change: c.695C>T on transcript NM_020702.5 (MANE Select); coding-DNA position 695, C replaced by T.
Protein change: p.Ser232Leu; replaces serine 232 with leucine.
Molecular consequence: missense variant.
Genome position (GRCh38, 1-based): chr9:34,372,249, G>A on the plus strand (C>T on the coding strand, the complement: MYORG is on the minus strand). VCF-style: chr9-34372249-G-A. GRCh37 (hg19) VCF-style: chr9-34372247-G-A.
Other names: MYORG, SER232LEU (rs757434146); short protein forms S232L.
Identifiers: ClinVar variation 617691 (VCV000617691.4), dbSNP rs757434146, ClinGen allele CA373245146.